The following is an entry in ClinVar:

NM_001122955.4(BSCL2):c.1005+4G>T

Genes: BSCL2 (BSCL2 lipid droplet biogenesis associated, seipin; minus strand), HNRNPUL2-BSCL2 (HNRNPUL2-BSCL2 readthrough (NMD candidate); minus strand). Cytogenetic location: 11q12.3.
Variant type: single nucleotide variant.
Coding change: c.1005+4G>T on transcript NM_001122955.4 (MANE Select); 4 bases into the intron after coding-DNA position 1005, G replaced by T.
Molecular consequence: intron variant.
Genome position (GRCh38, 1-based): chr11:62,691,276, C>A on the plus strand (G>T on the coding strand, the complement: BSCL2 is on the minus strand). VCF-style: chr11-62691276-C-A. GRCh37 (hg19) VCF-style: chr11-62458748-C-A.
Other names: c.1005+4G>T (NM_001122955.3, NM_001386028.1, NM_001386027.1); c.672-135G>T (NM_001130702.2); c.813+4G>T (NM_032667.6).
Identifiers: ClinVar variation 210544 (VCV000210544.22), dbSNP rs367731146, ClinGen allele CA208196.

ClinVar aggregate classification (germline): Conflicting classifications of pathogenicity. Review status: criteria provided, conflicting classifications (1 of 4 stars). 5 submissions from 5 submitters: Uncertain significance (1); Likely benign (3). 1 of the submissions does not count toward it. Last evaluated 2025-10-08.

Conditions:
Charcot-Marie-Tooth disease type 2. Also called: Charcot-Marie-Tooth type 2. Identifiers: Orphanet 64746, MedGen C0270914, MONDO:0018993.
BSCL2-related disorder. Also called: BSCL2-related condition; BSCL2-Related Disorders.
Inborn genetic diseases. Identifiers: MedGen C0950123, MeSH D030342.

Allele frequency attached by ClinVar (database versions not stated): 1000 Genomes Project 30x 0.00062; TOPMed 0.00035; ESP Exome Variant Server 0.00031; 1000 Genomes Project 0.00040.
gnomAD v4.1: 100 of 1,614,136 alleles (0.0062%); highest among the groups gnomAD compares: African/African-American, 0.1%; no homozygotes.

Submissions (5):

Labcorp Genetics (formerly Invitae), Labcorp
Classification: Likely benign for Charcot-Marie-Tooth disease type 2. Last evaluated: 2025-10-08. Review status: criteria provided, single submitter. Criteria: Invitae Variant Classification Sherloc (09022015). Collection method: clinical testing. Allele origin: germline.

Ambry Genetics
Classification: Likely benign for Inborn genetic diseases. Last evaluated: 2022-01-13. Review status: criteria provided, single submitter. Criteria: Ambry Variant Classification Scheme 2023. Collection method: clinical testing. Allele origin: germline.

GeneDx
Classification: Likely benign. Last evaluated: 2020-01-24. Review status: criteria provided, single submitter. Criteria: GeneDx Variant Classification Process June 2021. Collection method: clinical testing. Allele origin: germline. Affected: yes.

Genetic Services Laboratory, University of Chicago
Classification: Uncertain significance. Last evaluated: 2015-08-06. Review status: criteria provided, single submitter. Criteria: ACMG Guidelines, 2015. Collection method: clinical testing. Allele origin: germline.

PreventionGenetics, part of Exact Sciences
Classification: Likely benign for BSCL2-related condition. Last evaluated: 2020-07-27. Review status: no assertion criteria provided. Collection method: clinical testing. Allele origin: germline. Not counted in ClinVar's aggregate classification.
Comment: This variant is classified as likely benign based on ACMG/AMP sequence variant interpretation guidelines (Richards et al. 2015 PMID: 25741868, with internal and published modifications).